The following is an entry in ClinVar:

NM_000179.3(MSH6):c.2963G>A (p.Arg988His)

Gene: MSH6 (mutS homolog 6; plus strand). Cytogenetic location: 2p16.3.
Variant type: single nucleotide variant.
Coding change: c.2963G>A on transcript NM_000179.3 (MANE Select); coding-DNA position 2963, G replaced by A.
Protein change: p.Arg988His; replaces arginine 988 with histidine.
Molecular consequence: missense variant.
Genome position (GRCh38, 1-based): chr2:47,800,946, G>A. VCF-style: chr2-47800946-G-A. GRCh37 (hg19) VCF-style: chr2-48028085-G-A.
Other names: c.2573G>A, p.Arg858His (NM_001281492.2); c.2057G>A, p.Arg686His (NM_001281493.2, NM_001281494.2); short protein forms R988H, R686H, R858H.
Identifiers: ClinVar variation 234538 (VCV000234538.31), dbSNP rs115386788, ClinGen allele CA069876.

ClinVar aggregate classification (germline): Conflicting classifications of pathogenicity. Review status: criteria provided, conflicting classifications (1 of 4 stars). 9 submissions from 9 submitters: Uncertain significance (6); Benign (1); Likely benign (1). 1 of the submissions does not count toward it. Last evaluated 2026-01-20.

Conditions:
MSH6-related disorder. Also called: MSH6-related condition; MSH6-Related disorders.
Hereditary nonpolyposis colorectal neoplasms. Identifiers: MedGen C0009405, MeSH D003123.
Hereditary cancer-predisposing syndrome. Also called: Neoplastic Syndromes, Hereditary; Hereditary neoplastic syndrome; Hereditary Cancer Syndrome; Tumor predisposition. Identifiers: Orphanet 140162, MedGen C0027672, MeSH D009386, MONDO:0015356.
Lynch syndrome. Identifiers: Orphanet 144, MedGen C4552100, MONDO:0005835. Disease mechanism: loss of function.
Lynch syndrome 5 (LYNCH5). Also called: Colorectal cancer, hereditary nonpolyposis, type 5; Hereditary non-polyposis colorectal cancer, type 5. Identifiers: Orphanet 144, MedGen C1833477, MONDO:0013710, OMIM 614350. Disease mechanism: loss of function.
Endometrial carcinoma. Also called: Endometrial carcinoma, somatic. Identifiers: MedGen C0476089, MONDO:0002447, OMIM 608089, HP:0012114.

Allele frequency attached by ClinVar (database versions not stated): TOPMed 0.00002.
gnomAD v4.1: 41 of 1,571,572 alleles (0.0026%); highest among the groups gnomAD compares: South Asian, 0.037%; no homozygotes.

Submissions (9):

Labcorp Genetics (formerly Invitae), Labcorp
Classification: Likely benign for Hereditary nonpolyposis colorectal neoplasms. Last evaluated: 2026-01-20. Review status: criteria provided, single submitter. Criteria: Invitae Variant Classification Sherloc (09022015). Collection method: clinical testing. Allele origin: germline.

Ambry Genetics
Classification: Uncertain significance for Hereditary cancer-predisposing syndrome. Last evaluated: 2025-04-28. Review status: criteria provided, single submitter. Criteria: Ambry Variant Classification Scheme 2023. Collection method: clinical testing. Allele origin: germline.
Comment: The p.R988H variant (also known as c.2963G>A), located in coding exon 4 of the MSH6 gene, results from a G to A substitution at nucleotide position 2963. The arginine at codon 988 is replaced by histidine, an amino acid with highly similar properties. This variant was also observed in 1/3251 individuals who met eligibility criteria for hereditary breast and ovarian cancer syndrome (Lerner-Ellis J et al. J Cancer Res Clin Oncol, 2021 Mar;147:871-879). This amino acid position is not well conserved in available vertebrate species, and histidine is the reference amino acid in other vertebrate species. In addition, the in silico prediction for this alteration is inconclusive. Since supporting evidence is limited at this time, the clinical significance of this alteration remains unclear.

Myriad Genetics, Inc.
Classification: Benign for Lynch syndrome 5. Last evaluated: 2025-01-02. Review status: criteria provided, single submitter. Criteria: Myriad Autosomal Dominant, Autosomal Recessive and X-Linked Classification Criteria (2023). Collection method: clinical testing. Allele origin: unknown.
Comment: This variant is considered benign. This variant is strongly associated with less severe personal and family histories of cancer, typical for individuals without pathogenic variants in this gene [PMID: 27363726]. This variant has been observed in trans with a known pathogenic variant in one or more individuals lacking clinical features consistent with gene-specific recessive disease.

GeneDx
Classification: Uncertain significance. Last evaluated: 2024-12-11. Review status: criteria provided, single submitter. Criteria: GeneDx Variant Classification Process June 2021. Collection method: clinical testing. Allele origin: germline. Affected: yes.
Comment: In silico analysis supports that this missense variant has a deleterious effect on protein structure/function; Observed in an individual with endometrial cancer (PMID: 32885271); This variant is associated with the following publications: (PMID: 28912153, 30798936, 17531815, 21120944, 32885271)

PreventionGenetics, part of Exact Sciences
Classification: Uncertain significance for MSH6-related condition. Last evaluated: 2024-12-04. Review status: criteria provided, single submitter. Criteria: ACMG Guidelines, 2015. Collection method: clinical testing. Allele origin: germline.
Comment: The MSH6 c.2963G>A variant is predicted to result in the amino acid substitution p.Arg988His. This variant has been reported in the literature in an individual with endometrial cancer (Lerner-Ellis et al. 2020. PubMed ID: 32885271). This variant is reported in 0.040% of alleles in individuals of South Asian descent in gnomAD. This variant has conflicting interpretations of pathogenicity in ClinVar ranging from likely benign to uncertain clinical significance. At this time, the clinical significance of this variant is uncertain due to the absence of conclusive functional and genetic evidence.

Baylor Genetics
Classification: Uncertain significance for Endometrial carcinoma. Last evaluated: 2024-03-24. Review status: criteria provided, single submitter. Criteria: ACMG Guidelines, 2015. Collection method: clinical testing. Allele origin: unknown.

All of Us Research Program, National Institutes of Health
Classification: Uncertain significance for Lynch syndrome. Last evaluated: 2024-02-05. Review status: criteria provided, single submitter. Criteria: ACMG Guidelines, 2015. Collection method: clinical testing. Allele origin: germline. Inheritance: Autosomal dominant inheritance. Observed: 3 variant alleles, 3 heterozygotes.
Comment: This missense variant replaces arginine with histidine at codon 988 of the MSH6 protein. Computational prediction suggests that this variant may not impact protein structure and function (internally defined REVEL score threshold <= 0.5, PMID: 27666373). To our knowledge, functional studies have not been reported for this variant. This variant has not been reported in individuals affected with hereditary cancer in the literature. This variant has been identified in 11/217126 chromosomes in the general population by the Genome Aggregation Database (gnomAD). The available evidence is insufficient to determine the role of this variant in disease conclusively. Therefore, this variant is classified as a Variant of Uncertain Significance.

This study involves interpretation of variants in research participants for the purpose of population health screening. Participant phenotype was not available at the time of variant classification. Additional details can be found in publication PMID: 35346344, PMCID: PMC8962531

Color Diagnostics, LLC DBA Color Health
Classification: Uncertain significance for Hereditary cancer-predisposing syndrome. Last evaluated: 2023-09-27. Review status: criteria provided, single submitter. Criteria: ACMG Guidelines, 2015. Collection method: clinical testing. Allele origin: germline.
Comment: This missense variant replaces arginine with histidine at codon 988 of the MSH6 protein. Computational prediction suggests that this variant may not impact protein structure and function (internally defined REVEL score threshold <= 0.5, PMID: 27666373). To our knowledge, functional studies have not been reported for this variant. This variant has been reported in an individual affected with endometrial cancer (PMID: 32885271). This variant has been identified in 11/217126 chromosomes in the general population by the Genome Aggregation Database (gnomAD). The available evidence is insufficient to determine the role of this variant in disease conclusively. Therefore, this variant is classified as a Variant of Uncertain Significance.

Department of Pathology and Laboratory Medicine, Sinai Health System
Classification: Uncertain significance for Endometrial carcinoma. Review status: no assertion criteria provided. Collection method: clinical testing. Allele origin: unknown. Affected: yes. Study: The Canadian Open Genetics Repository (COGR). Not counted in ClinVar's aggregate classification.
Comment: The MSH6 p.Arg988His variant was not identified in the literature nor was it identified in the COGR, MutDB, UMD-LSDB, Zhejiang University Database, Mismatch Repair Genes Variant Database, or Insight Hereditary Tumors database. The variant was identified in dbSNP (ID: rs115386788) as "With Uncertain significance alleleâ€šÃ„Ã¹, ClinVar (classified as uncertain significance by Invitae, GeneDx and Ambry Genetics), and in Cosmic (1x in prostate tissue) database. The variant was identified in 11 of 212122 chromosomes at a frequency of 0.00005 (Genome Aggregation Database Feb 27, 2017). The variant was observed in the following populations: African in 1 of 14826 chromosomes (freq: 0.00007), European in 1 of 99952 chromosomes (freq: 0.00001), and South Asian in 9 of 22466 chromosomes (freq: 0.0004); it was not observed in the Other, Latino, Ashkenazi Jewish, East Asian, or Finnish populations. The p.Arg988 residue is not conserved in mammals and computational analyses (PolyPhen-2, SIFT, AlignGVGD, BLOSUM, MutationTaster) do not suggest a high likelihood of impact to the protein; however, this information is not predictive enough to rule out pathogenicity. The variant occurs outside of the splicing consensus sequence and in silico or computational prediction software programs (SpliceSiteFinder, MaxEntScan, NNSPLICE, GeneSplicer) do not predict a difference in splicing. In summary, based on the above information the clinical significance of this variant cannot be determined with certainty at this time. This variant is classified as a variant of uncertain significance.

Literature cited by the submitters: PubMed 28912153 (cited by Ambry Genetics); PubMed 32885271 (cited by Ambry Genetics and Color Diagnostics, LLC DBA Color Health); PubMed 27363726 (cited by Myriad Genetics, Inc.).